The following is an entry in ClinVar:

ClinVar aggregate classification (germline): Benign/Likely benign. Review status: criteria provided, multiple submitters, no conflicts (2 of 4 stars). 7 submissions from 7 submitters: Benign (1); Likely benign (6). Last evaluated 2026-03-27.

Conditions:
Cardiovascular phenotype. Identifiers: MedGen CN230736.
Noonan syndrome 1 (NS1). Also called: FEMALE PSEUDO-TURNER SYNDROME; TURNER PHENOTYPE WITH NORMAL KARYOTYPE; PTPN11-Related Noonan Syndrome. Identifiers: Orphanet 648, MedGen C4551602, MONDO:0008104, OMIM 163950. Disease mechanism: gain of function.
Juvenile myelomonocytic leukemia (JMML). Also called: LEUKEMIA, JUVENILE MYELOMONOCYTIC, SOMATIC. Identifiers: Orphanet 86834, MedGen C0349639, MONDO:0011908, OMIM 607785, HP:0012209.
Metachondromatosis (METCDS). Identifiers: Orphanet 2499, MedGen C0410530, MONDO:0007979, OMIM 156250.
LEOPARD syndrome 1 (LPRD1). Also called: LENTIGINOSIS, CARDIOMYOPATHIC; MULTIPLE LENTIGINES SYNDROME; PTPN11-Related LEOPARD Syndrome. Identifiers: Orphanet 500, MedGen C4551484, MONDO:0100082, OMIM 151100.
RASopathy. Also called: Noonan spectrum disorder; rasopathies. Identifiers: Orphanet 536391, MedGen C5555857, MONDO:0021060.

Allele frequency attached by ClinVar (database versions not stated): ExAC 0.00002; gnomAD 0.00002 and 0.00003; gnomAD exomes 0.00002; TOPMed 0.00002.
gnomAD v4.1: 31 of 1,614,042 alleles (0.0019%); highest among the groups gnomAD compares: Middle Eastern, 0.033%; no homozygotes.

Submissions (7):

Molecular Diagnostic Laboratory for Inherited Cardiovascular Disease, Montreal Heart Institute
Classification: Likely benign. Last evaluated: 2026-03-27. Review status: criteria provided, single submitter. Criteria: ACMG Guidelines, 2015. Collection method: clinical testing. Allele origin: germline. Affected: no.
Comment: BS1;BP7

Labcorp Genetics (formerly Invitae), Labcorp
Classification: Likely benign for RASopathy. Last evaluated: 2025-09-13. Review status: criteria provided, single submitter. Criteria: Invitae Variant Classification Sherloc (09022015). Collection method: clinical testing. Allele origin: germline.

KCCC/NGS Laboratory, Kuwait Cancer Control Center
Classification: Benign for Metachondromatosis. Last evaluated: 2025-02-01. Review status: criteria provided, single submitter. Criteria: ACMG Guidelines, 2015. Collection method: clinical testing. Allele origin: germline. Affected: no.

Blueprint Genetics
Classification: Likely benign. Last evaluated: 2024-06-26. Review status: criteria provided, single submitter. Criteria: ACMG Guidelines, 2015. Collection method: clinical testing. Allele origin: germline.

Fulgent Genetics
Classification: Likely benign for LEOPARD syndrome 1; Metachondromatosis; Noonan syndrome 1; Juvenile myelomonocytic leukemia. Last evaluated: 2024-02-15. Review status: criteria provided, single submitter. Criteria: ACMG Guidelines, 2015. Collection method: clinical testing. Allele origin: germline.

Ambry Genetics
Classification: Likely benign for Cardiovascular phenotype. Last evaluated: 2017-05-28. Review status: criteria provided, single submitter. Criteria: Ambry Variant Classification Scheme 2023. Collection method: clinical testing. Allele origin: germline.

Laboratory for Molecular Medicine, Mass General Brigham Personalized Medicine
Classification: Likely benign. Last evaluated: 2015-09-29. Review status: criteria provided, single submitter. Criteria: LMM Criteria. Collection method: clinical testing. Allele origin: germline. Observed: 2 variant alleles.
Comment: proposed classification - variant undergoing re-assessment, contact laboratory

NM_002834.5(PTPN11):c.1551G>A (p.Ala517=)

Gene: PTPN11 (protein tyrosine phosphatase non-receptor type 11; plus strand). Cytogenetic location: 12q24.13.
Variant type: single nucleotide variant.
Coding change: c.1551G>A on transcript NM_002834.5 (MANE Select); coding-DNA position 1551, G replaced by A.
Protein change: p.Ala517=; no amino-acid change (alanine 517 retained).
Molecular consequence: synonymous variant.
Genome position (GRCh38, 1-based): chr12:112,489,127, G>A. VCF-style: chr12-112489127-G-A. GRCh37 (hg19) VCF-style: chr12-112926931-G-A.
Other names: c.1563G>A, p.Ala521= (NM_001330437.2); c.1548G>A, p.Ala516= (NM_001374625.1); c.1551G>A (NM_002834.4).
Identifiers: ClinVar variation 177882 (VCV000177882.22), dbSNP rs727504377, ClinGen allele CA180923.
Genomic context (GRCh38, chr12:112,489,127, plus strand): 5'-GCGGTCTCAGAGGTCAGGGATGGTCCAGACAGAAGCACAGTACCGATTTATCTATATGGC[G>A]GTCCAGCATTATATTGAAACACTACAGCGCAGGATTGAAGAAGAGCAGGTACCAGCCTGA-3'
Protein context (NP_002825.3, residues 507-527): TEAQYRFIYM[Ala517=]VQHYIETLQR